The following is an entry in ClinVar:

ClinVar aggregate classification (germline): Pathogenic (1 of 4 stars; one submission).

Conditions:
Werner syndrome (WRN). Identifiers: Orphanet 902, MedGen C0043119, MONDO:0010196, OMIM 277700.

Submission:

Labcorp Genetics (formerly Invitae), Labcorp
Classification: Pathogenic for Werner syndrome. Last evaluated: 2022-05-29. Review status: criteria provided, single submitter. Criteria: Invitae Variant Classification Sherloc (09022015). Collection method: clinical testing. Allele origin: germline.
Comment: For these reasons, this variant has been classified as Pathogenic. This variant has not been reported in the literature in individuals affected with WRN-related conditions. This variant is not present in population databases (gnomAD no frequency). This sequence change creates a premature translational stop signal (p.Ala1168Glyfs*3) in the WRN gene. It is expected to result in an absent or disrupted protein product. Loss-of-function variants in WRN are known to be pathogenic (PMID: 16673358).

Literature cited by the submitters: PubMed 16673358.

NM_000553.6(WRN):c.3502dup (p.Ala1168fs)

Gene: WRN (WRN RecQ like helicase; plus strand). Cytogenetic location: 8p12.
Variant type: Duplication.
Coding change: c.3502dup on transcript NM_000553.6 (MANE Select); coding-DNA position 3502, one base duplicated (G; older notation c.3502dupG).
Protein change: p.Ala1168fs; shifts the reading frame from alanine 1168.
Molecular consequence: frameshift variant.
Genome position (GRCh38, 1-based): chr8:31,147,406, G duplicated. VCF-style (leftmost placement, unchanged base first): chr8-31147405-T-TG. GRCh37 (hg19) VCF-style: chr8-31004921-T-TG.
Other names: short protein forms A1168fs.
Identifiers: ClinVar variation 2183456 (VCV002183456.4), dbSNP rs2536043103, ClinGen allele CA2580078196.